The following is an entry in ClinVar:

ClinVar aggregate classification (germline): Uncertain significance (1 of 4 stars; one submission).

Conditions:
Inborn genetic diseases. Identifiers: MedGen C0950123, MeSH D030342.

gnomAD v4.1: 1 of 1,613,974 alleles (0.000062%); highest among the groups gnomAD compares: Non-Finnish European, 0.000085%; no homozygotes.

Submission:

Ambry Genetics
Classification: Uncertain significance for Inborn genetic diseases. Last evaluated: 2025-04-08. Review status: criteria provided, single submitter. Criteria: Ambry Variant Classification Scheme 2023. Collection method: clinical testing. Allele origin: germline.
Comment: The p.T1165A variant (also known as c.3493A>G), located in coding exon 14 of the FANCM gene, results from an A to G substitution at nucleotide position 3493. The threonine at codon 1165 is replaced by alanine, an amino acid with similar properties. This amino acid position is conserved. In addition, this alteration is predicted to be tolerated by in silico analysis. Based on the available evidence, the clinical significance of this variant remains unclear.

NM_020937.4(FANCM):c.3493A>G (p.Thr1165Ala)

Gene: FANCM (FA complementation group M; plus strand). Cytogenetic location: 14q21.2.
Variant type: single nucleotide variant.
Coding change: c.3493A>G on transcript NM_020937.4 (MANE Select); coding-DNA position 3493, A replaced by G.
Protein change: p.Thr1165Ala; replaces threonine 1165 with alanine.
Molecular consequence: missense variant.
Genome position (GRCh38, 1-based): chr14:45,176,247, A>G. VCF-style: chr14-45176247-A-G. GRCh37 (hg19) VCF-style: chr14-45645450-A-G.
Other names: c.3415A>G, p.Thr1139Ala (NM_001308133.2); short protein forms T1139A, T1165A.
Identifiers: ClinVar variation 4022667 (VCV004022667.1).